The following is an entry in ClinVar:

NM_004064.5(CDKN1B):c.482C>A (p.Ser161Tyr)

Gene: CDKN1B (cyclin dependent kinase inhibitor 1B; plus strand). Cytogenetic location: 12p13.1.
Variant type: single nucleotide variant.
Coding change: c.482C>A on transcript NM_004064.5 (MANE Select); coding-DNA position 482, C replaced by A.
Protein change: p.Ser161Tyr; replaces serine 161 with tyrosine.
Molecular consequence: missense variant.
Genome position (GRCh38, 1-based): chr12:12,718,831, C>A. VCF-style: chr12-12718831-C-A. GRCh37 (hg19) VCF-style: chr12-12871765-C-A.
Other names: short protein forms S161Y.
Identifiers: ClinVar variation 5034229 (VCV005034229.1).
Genomic context (GRCh38, chr12:12,718,831, plus strand): 5'-TGTTTTTTCTAATAAAGATTGTGTGTTCTTTTTAAAAATTTCCCCTGCGCTTAGATTCTT[C>A]TACTCAAAACAAAAGAGCCAACAGAACAGAAGAAAATGTTTCAGACGGTTCCCCAAATGC-3'
Protein context (NP_004055.1, residues 151-171): IRKRPATDDS[Ser161Tyr]TQNKRANRTE

ClinVar aggregate classification (germline): Uncertain significance (1 of 4 stars; one submission).

Conditions:
Hereditary cancer-predisposing syndrome. Also called: Hereditary Cancer Syndrome; Neoplastic Syndromes, Hereditary; Tumor predisposition; Hereditary neoplastic syndrome. Identifiers: Orphanet 140162, MedGen C0027672, MeSH D009386, MONDO:0015356.

gnomAD v4.1: 1 of 1,614,072 alleles (0.000062%); highest among the groups gnomAD compares: Non-Finnish European, 0.000085%; no homozygotes.

Submission:

Ambry Genetics
Classification: Uncertain significance for Hereditary cancer-predisposing syndrome. Last evaluated: 2026-06-22. Review status: criteria provided, single submitter. Criteria: Ambry Variant Classification Scheme 2023. Collection method: clinical testing. Allele origin: germline.
Comment: The p.S161Y variant (also known as c.482C>A), located in coding exon 2 of the CDKN1B gene, results from a C to A substitution at nucleotide position 482. The serine at codon 161 is replaced by tyrosine, an amino acid with dissimilar properties. This amino acid position is well conserved in available vertebrate species. In addition, this alteration is predicted to be tolerated by in silico analysis. Based on the available evidence, the clinical significance of this variant remains unclear.